The following is an entry in ClinVar:

NM_153033.5(KCTD7):c.704G>C (p.Trp235Ser)

Gene: KCTD7 (potassium channel tetramerization domain containing 7; plus strand). Cytogenetic location: 7q11.21.
Variant type: single nucleotide variant.
Coding change: c.704G>C on transcript NM_153033.5 (MANE Select); coding-DNA position 704, G replaced by C.
Protein change: p.Trp235Ser; replaces tryptophan 235 with serine.
Molecular consequence: missense variant.
Genome position (GRCh38, 1-based): chr7:66,639,066, G>C. VCF-style: chr7-66639066-G-C. GRCh37 (hg19) VCF-style: chr7-66104053-G-C.
Other names: p.W235S:TGG>TCG; c.704G>C, p.Trp235Ser (NM_001167961.2); short protein forms W235S.
Identifiers: ClinVar variation 206017 (VCV000206017.10), dbSNP rs796052689, ClinGen allele CA315696.

ClinVar aggregate classification (germline): Conflicting classifications of pathogenicity. Review status: criteria provided, conflicting classifications (1 of 4 stars). 2 submissions from 2 submitters: Likely pathogenic (1); Uncertain significance (1). Last evaluated 2021-04-09.

Conditions:
Progressive myoclonic epilepsy type 3. Also called: KCTD7-Related Progressive Myoclonic Epilepsy; EPILEPSY, PROGRESSIVE MYOCLONIC, 3, WITH OR WITHOUT INTRACELLULAR INCLUSIONS; CEROID LIPOFUSCINOSIS, NEURONAL, 14; EPILEPSY, PROGRESSIVE MYOCLONIC, 3, WITHOUT INTRACELLULAR INCLUSIONS. Identifiers: Orphanet 263516, MedGen C2673257, MONDO:0012721, OMIM 611726.

Submissions (2):

Labcorp Genetics (formerly Invitae), Labcorp
Classification: Uncertain significance for Progressive myoclonic epilepsy type 3. Last evaluated: 2021-04-09. Review status: criteria provided, single submitter. Criteria: Invitae Variant Classification Sherloc (09022015). Collection method: clinical testing. Allele origin: germline.
Comment: In summary, the available evidence is currently insufficient to determine the role of this variant in disease. Therefore, it has been classified as a Variant of Uncertain Significance. Algorithms developed to predict the effect of missense changes on protein structure and function are either unavailable or do not agree on the potential impact of this missense change (SIFT: "Deleterious"; PolyPhen-2: "Benign"; Align-GVGD: "Class C65"). This variant has been observed in individual(s) with clinical features of progressive myoclonic epilepsy (PMID: 30295347). It has also been observed to segregate with disease in related individuals. ClinVar contains an entry for this variant (Variation ID: 206017). This variant is not present in population databases (ExAC no frequency). This sequence change replaces tryptophan with serine at codon 235 of the KCTD7 protein (p.Trp235Ser). The tryptophan residue is highly conserved and there is a large physicochemical difference between tryptophan and serine.

GeneDx
Classification: Likely pathogenic. Last evaluated: 2014-12-05. Review status: criteria provided, single submitter. Criteria: GeneDx Variant Classification (06012015). Collection method: clinical testing. Allele origin: germline. Affected: yes.
Comment: The W235S variant has not been published as a mutation, nor has it been reported as a benign polymorphism to our knowledge. It was not observed in approximately 6,500 individuals of European and African American ancestry in the NHLBI Exome Sequencing Project, indicating it is not a common benign variant in these populations. The W235S variant is a non-conservative amino acid substitution, which is likely to impact secondary protein structure as these residues differ in polarity, charge, size and/or other properties. This substitution occurs at a position that is highly conserved across species. In silico analysis predicts this variant is probably damaging to the protein structure/function. Therefore, this variant is a strong candidate for a pathogenic mutation, however the possibility that it is a benign variant cannot be excluded. The variant is found in EPILEPSY panel(s).

Literature cited by the submitters: PubMed 30295347 (cited by Labcorp Genetics (formerly Invitae), Labcorp).